The following is an entry in ClinVar:

ClinVar aggregate classification (germline): Uncertain significance (1 of 4 stars; one submission).

Allele frequency attached by ClinVar (database versions not stated): ExAC 0.00001; gnomAD 0.00001; TOPMed 0.00001.
gnomAD v4.1: 3 of 1,605,740 alleles (0.00019%); highest among the groups gnomAD compares: African/African-American, 0.0013%; no homozygotes.

Submission:

Labcorp Genetics (formerly Invitae), Labcorp
Classification: Uncertain significance. Last evaluated: 2024-04-29. Review status: criteria provided, single submitter. Criteria: Invitae Variant Classification Sherloc (09022015). Collection method: clinical testing. Allele origin: germline.
Comment: This sequence change replaces valine, which is neutral and non-polar, with leucine, which is neutral and non-polar, at codon 85 of the DNM1L protein (p.Val85Leu). This variant is present in population databases (rs772365551, gnomAD 0.007%). This variant has not been reported in the literature in individuals affected with DNM1L-related conditions. ClinVar contains an entry for this variant (Variation ID: 1719183). An algorithm developed to predict the effect of missense changes on protein structure and function (PolyPhen-2) suggests that this variant is likely to be tolerated. In summary, the available evidence is currently insufficient to determine the role of this variant in disease. Therefore, it has been classified as a Variant of Uncertain Significance.

NM_012062.5(DNM1L):c.253G>T (p.Val85Leu)

Gene: DNM1L (dynamin 1 like; plus strand). Cytogenetic location: 12p11.21.
Variant type: single nucleotide variant.
Coding change: c.253G>T on transcript NM_012062.5 (MANE Select); coding-DNA position 253, G replaced by T.
Protein change: p.Val85Leu; replaces valine 85 with leucine.
Molecular consequence: missense variant. On other transcripts: synonymous variant (1).
Genome position (GRCh38, 1-based): chr12:32,707,369, G>T. VCF-style: chr12-32707369-G-T. GRCh37 (hg19) VCF-style: chr12-32860303-G-T.
Other names: c.253G>T, p.Val85Leu (NM_001278463.2, NM_005690.5, NM_012063.4); c.292G>T, p.Val98Leu (NM_001278464.2, NM_001278465.2, NM_001330380.2); c.87G>T, p.Gly29= (NM_001278466.2); short protein forms V85L, V98L.
Identifiers: ClinVar variation 1719183 (VCV001719183.6), dbSNP rs772365551, ClinGen allele CA6507291.